The following is an entry in ClinVar:

NM_001958.5(EEF1A2):c.1265-15C>T

Gene: EEF1A2 (eukaryotic translation elongation factor 1 alpha 2; minus strand). Cytogenetic location: 20q13.33.
Variant type: single nucleotide variant.
Coding change: c.1265-15C>T on transcript NM_001958.5 (MANE Select); 15 bases into the intron before coding-DNA position 1265, C replaced by T.
Molecular consequence: intron variant.
Genome position (GRCh38, 1-based): chr20:63,488,440, G>A on the plus strand (C>T on the coding strand, the complement: EEF1A2 is on the minus strand). VCF-style: chr20-63488440-G-A. GRCh37 (hg19) VCF-style: chr20-62119793-G-A.
Identifiers: ClinVar variation 382686 (VCV000382686.11), dbSNP rs200634874, ClinGen allele CA9958927.

ClinVar aggregate classification (germline): Benign/Likely benign. Review status: criteria provided, multiple submitters, no conflicts (2 of 4 stars). 4 submissions from 4 submitters: Benign (3); Likely benign (1). Last evaluated 2026-01-28.

Conditions:
Developmental and epileptic encephalopathy, 33 (DEE33). Also called: Epileptic encephalopathy, early infantile, 33. Identifiers: Orphanet 442835, MedGen C4225337, MONDO:0014625, OMIM 616409.

Allele frequency attached by ClinVar (database versions not stated): gnomAD exomes 0.00136; ExAC 0.00372; gnomAD 0.00820; 1000 Genomes Project 30x 0.00828; TOPMed 0.00848; 1000 Genomes Project 0.00859.
gnomAD v4.1: 2,109 of 1,429,580 alleles (0.15%); highest among the groups gnomAD compares: African/African-American, 2.7%; 14 homozygotes.

Submissions (4):

Labcorp Genetics (formerly Invitae), Labcorp
Classification: Benign for Developmental and epileptic encephalopathy, 33. Last evaluated: 2026-01-28. Review status: criteria provided, single submitter. Criteria: Invitae Variant Classification Sherloc (09022015). Collection method: clinical testing. Allele origin: germline.

Blueprint Genetics
Classification: Likely benign. Last evaluated: 2024-11-26. Review status: criteria provided, single submitter. Criteria: ACMG Guidelines, 2015. Collection method: clinical testing. Allele origin: germline.

ARUP Laboratories, Molecular Genetics and Genomics, ARUP Laboratories
Classification: Benign. Last evaluated: 2024-09-17. Review status: criteria provided, single submitter. Criteria: ARUP Molecular Germline Variant Investigation Process 2024. Collection method: clinical testing. Allele origin: germline.

GeneDx
Classification: Benign. Last evaluated: 2016-02-01. Review status: criteria provided, single submitter. Criteria: GeneDx Variant Classification (06012015). Collection method: clinical testing. Allele origin: germline. Affected: yes.
Comment: This variant is considered likely benign or benign based on one or more of the following criteria: it is a conservative change, it occurs at a poorly conserved position in the protein, it is predicted to be benign by multiple in silico algorithms, and/or has population frequency not consistent with disease.